The following is an entry in ClinVar:

NM_024596.5(MCPH1):c.2077C>T (p.Arg693Cys)

Gene: MCPH1 (microcephalin 1; plus strand). Cytogenetic location: 8p23.1.
Variant type: single nucleotide variant.
Coding change: c.2077C>T on transcript NM_024596.5 (MANE Select); coding-DNA position 2077, C replaced by T.
Protein change: p.Arg693Cys; replaces arginine 693 with cysteine.
Molecular consequence: missense variant. On other transcripts: intron variant (1).
Genome position (GRCh38, 1-based): chr8:6,480,817, C>T. VCF-style: chr8-6480817-C-T. GRCh37 (hg19) VCF-style: chr8-6338338-C-T.
Other names: c.2077C>T, p.Arg693Cys (NM_001322042.2, NM_001363979.1); c.1935+25565C>T (NM_001363980.2); short protein forms R693C.
Identifiers: ClinVar variation 193932 (VCV000193932.15), dbSNP rs376996626, ClinGen allele CA239666.
Genomic context (GRCh38, chr8:6,480,817, plus strand): 5'-TTTTCAATTGCACCAGACGTCTGTGAGACCACGACTCACGTGCTTTCCGGGAAGCCACTT[C>T]GCACCCTGAATGTGCTGCTGGGAATTGCGCGTGGCTGCTGGGTTCTCTCTTATGATTGGG-3'
Protein context (NP_078872.3, residues 683-703): TTHVLSGKPL[Arg693Cys]TLNVLLGIAR

ClinVar aggregate classification (germline): Uncertain significance. Review status: criteria provided, multiple submitters, no conflicts (2 of 4 stars). 6 submissions from 6 submitters: Uncertain significance (6). Last evaluated 2024-11-19.

Conditions:
Microcephaly 1, primary, autosomal recessive (MCPH1). Also called: PREMATURE CHROMOSOME CONDENSATION SYNDROME; PCC SYNDROME; PREMATURE CHROMOSOME CONDENSATION WITH MICROCEPHALY AND MENTAL RETARDATION. Identifiers: Orphanet 2512, MedGen C1855081, MONDO:0009617, OMIM 251200.

Allele frequency attached by ClinVar (database versions not stated): gnomAD 0.00009; TOPMed 0.00009; gnomAD exomes 0.00010 and 0.00013; ExAC 0.00011; ESP Exome Variant Server 0.00032.
gnomAD v4.1: 176 of 1,614,192 alleles (0.011%); highest among the groups gnomAD compares: Middle Eastern, 0.12%; no homozygotes.

Submissions (6):

Blueprint Genetics
Classification: Uncertain significance. Last evaluated: 2024-11-19. Review status: criteria provided, single submitter. Criteria: ACMG Guidelines, 2015. Collection method: clinical testing. Allele origin: germline.

Revvity Omics, Revvity
Classification: Uncertain significance for Microcephaly 1, primary, autosomal recessive. Last evaluated: 2022-08-01. Review status: criteria provided, single submitter. Criteria: ACMG Guidelines, 2015. Collection method: clinical testing. Allele origin: germline.

Labcorp Genetics (formerly Invitae), Labcorp
Classification: Uncertain significance. Last evaluated: 2022-07-19. Review status: criteria provided, single submitter. Criteria: Invitae Variant Classification Sherloc (09022015). Collection method: clinical testing. Allele origin: germline.
Comment: This sequence change replaces arginine with cysteine at codon 693 of the MCPH1 protein (p.Arg693Cys). The arginine residue is highly conserved and there is a large physicochemical difference between arginine and cysteine. This variant is present in population databases (rs376996626, gnomAD 0.03%). This variant has not been reported in the literature in individuals affected with MCPH1-related conditions. ClinVar contains an entry for this variant (Variation ID: 193932). Algorithms developed to predict the effect of missense changes on protein structure and function are either unavailable or do not agree on the potential impact of this missense change (SIFT: "Not Available"; PolyPhen-2: "Probably Damaging"; Align-GVGD: "Not Available"). In summary, the available evidence is currently insufficient to determine the role of this variant in disease. Therefore, it has been classified as a Variant of Uncertain Significance.

Illumina Laboratory Services, Illumina
Classification: Uncertain significance for Microcephaly 1, primary, autosomal recessive. Last evaluated: 2017-04-27. Review status: criteria provided, single submitter. Criteria: ICSL Variant Classification Criteria 13 December 2019. Collection method: clinical testing. Allele origin: germline.
Comment: This variant was observed as part of a predisposition screen in an ostensibly healthy population. A literature search was performed for the gene, cDNA change, and amino acid change (where applicable). Publications were found based on this search. However, the evidence from the literature, in combination with allele frequency data from public databases where available, was not sufficient to rule this variant in or out of causing disease. Therefore, this variant is classified as a variant of unknown significance.

Eurofins Ntd Llc (ga)
Classification: Uncertain significance. Last evaluated: 2014-11-10. Review status: criteria provided, single submitter. Criteria: EGL Classification Definitions 2015. Collection method: clinical testing. Allele origin: germline. Observed: 1 variant allele, 1 heterozygote.

Breakthrough Genomics
Classification: Uncertain significance. Review status: criteria provided, single submitter. Criteria: ACMG Guidelines, 2015. Collection method: not provided. Allele origin: germline. Inheritance: Autosomal recessive inheritance. Affected: yes.

Literature cited by the submitters: PubMed 22908299 (cited by Illumina Laboratory Services, Illumina); PubMed 22139841 (cited by Illumina Laboratory Services, Illumina).